The following is an entry in ClinVar:

NM_022124.6(CDH23):c.9955G>A (p.Glu3319Lys)

Gene: CDH23 (cadherin related 23; plus strand). Cytogenetic location: 10q22.1.
Variant type: single nucleotide variant.
Coding change: c.9955G>A on transcript NM_022124.6 (MANE Select); coding-DNA position 9955, G replaced by A.
Protein change: p.Glu3319Lys; replaces glutamic acid 3319 with lysine.
Molecular consequence: missense variant.
Genome position (GRCh38, 1-based): chr10:71,815,168, G>A. VCF-style: chr10-71815168-G-A. GRCh37 (hg19) VCF-style: chr10-73574925-G-A.
Other names: c.3235G>A, p.Glu1079Lys (NM_001171933.1); c.3130G>A, p.Glu1044Lys (NM_001171934.1); c.646G>A, p.Glu216Lys (NM_001171935.1); c.541G>A, p.Glu181Lys (NM_001171936.1); short protein forms E1044K, E1079K, E181K, E216K, E3319K.
Identifiers: ClinVar variation 991955 (VCV000991955.7), dbSNP rs771858198, ClinGen allele CA5547228.

ClinVar aggregate classification (germline): Uncertain significance. Review status: criteria provided, multiple submitters, no conflicts (2 of 4 stars). 4 submissions from 4 submitters: Uncertain significance (3). 1 of the submissions does not count toward it. Last evaluated 2024-10-23.

Conditions:
Usher syndrome type 1D (USH1D). Also called: USHER SYNDROME, TYPE ID. Identifiers: Orphanet 231169, Orphanet 886, MedGen C1832845, MONDO:0010984, OMIM 601067.
Autosomal recessive nonsyndromic hearing loss 12. Also called: DEAFNESS, AUTOSOMAL RECESSIVE 12. Identifiers: Orphanet 90636, MedGen C1832394, MONDO:0011067, OMIM 601386.
Pituitary adenoma 5, multiple types. Identifiers: MedGen C4539685, MONDO:0054601, OMIM 617540.
Usher syndrome type 1 (USH1). Also called: RETINITIS PIGMENTOSA AND CONGENITAL DEAFNESS. Identifiers: Orphanet 231169, Orphanet 886, MedGen C1568247, MONDO:0010168, OMIM 276900.

Allele frequency attached by ClinVar (database versions not stated): TOPMed 0.00004; gnomAD 0.00005; gnomAD exomes 0.00005 and 0.00006; ExAC 0.00008; 1000 Genomes Project 30x 0.00031.
gnomAD v4.1: 82 of 1,611,520 alleles (0.0051%); highest among the groups gnomAD compares: South Asian, 0.014%; 1 homozygote.

Submissions (4):

Labcorp Genetics (formerly Invitae), Labcorp
Classification: Uncertain significance. Last evaluated: 2024-10-23. Review status: criteria provided, single submitter. Criteria: Invitae Variant Classification Sherloc (09022015). Collection method: clinical testing. Allele origin: germline.
Comment: This sequence change replaces glutamic acid, which is acidic and polar, with lysine, which is basic and polar, at codon 3319 of the CDH23 protein (p.Glu3319Lys). This variant is present in population databases (rs771858198, gnomAD 0.03%). This variant has not been reported in the literature in individuals affected with CDH23-related conditions. ClinVar contains an entry for this variant (Variation ID: 991955). Invitae Evidence Modeling of protein sequence and biophysical properties (such as structural, functional, and spatial information, amino acid conservation, physicochemical variation, residue mobility, and thermodynamic stability) has been performed for this missense variant. However, the output from this modeling did not meet the statistical confidence thresholds required to predict the impact of this variant on CDH23 protein function. In summary, the available evidence is currently insufficient to determine the role of this variant in disease. Therefore, it has been classified as a Variant of Uncertain Significance.

Blueprint Genetics
Classification: Uncertain significance. Last evaluated: 2022-05-20. Review status: criteria provided, single submitter. Criteria: ACMG Guidelines, 2015. Collection method: clinical testing. Allele origin: germline.

Fulgent Genetics
Classification: Uncertain significance for Usher syndrome type 1D; Autosomal recessive nonsyndromic hearing loss 12; Pituitary adenoma 5, multiple types. Last evaluated: 2021-10-28. Review status: criteria provided, single submitter. Criteria: ACMG Guidelines, 2015. Collection method: clinical testing. Allele origin: unknown.

Natera, Inc.
Classification: Uncertain significance for Usher syndrome type 1. Last evaluated: 2020-04-17. Review status: no assertion criteria provided. Collection method: clinical testing. Allele origin: germline. Not counted in ClinVar's aggregate classification.